The following is an entry in ClinVar:

ClinVar aggregate classification (germline): Uncertain significance (1 of 4 stars; one submission).

Conditions:
SMAD2- related Loeys-Dietz syndrome.

Submission:

University of Washington Department of Laboratory Medicine, University of Washington
Classification: Uncertain significance for SMAD2- related Loeys-Dietz syndrome. Last evaluated: 2021-08-02. Review status: criteria provided, single submitter. Criteria: ACMG Guidelines, 2015. Collection method: clinical testing. Allele origin: de novo. Affected: yes.
Comment: This variant is absent from large population databases, including the Genome Aggregation Database. In silico tools predict that the p.Gly122Arg variant is deleterious; however, these predictions have not been tested directly. Additionally, the SMAD2 gene has fewer missense variants in the general population than expected. A low rate of missense variation may suggest that this gene is intolerant to missense variation. Using ACMG guidelines, this variant was classified as a variant of uncertain significance (ACMG evidence codes used: PS2_supporting, PM2_supporting, PP2, PP3).

NM_005901.6(SMAD2):c.364G>A (p.Gly122Arg)

Gene: SMAD2 (SMAD family member 2; minus strand). Cytogenetic location: 18q21.1.
Variant type: single nucleotide variant.
Coding change: c.364G>A on transcript NM_005901.6 (MANE Select); coding-DNA position 364, G replaced by A.
Protein change: p.Gly122Arg; replaces glycine 122 with arginine.
Molecular consequence: missense variant.
Genome position (GRCh38, 1-based): chr18:47,869,399, C>T on the plus strand (G>A on the coding strand, the complement: SMAD2 is on the minus strand). VCF-style: chr18-47869399-C-T. GRCh37 (hg19) VCF-style: chr18-45395770-C-T.
Other names: c.364G>A, p.Gly122Arg (NM_001003652.4); c.274G>A, p.Gly92Arg (NM_001135937.3); c.364G>A (NM_001003652.3); short protein forms G122R, G92R.
Identifiers: ClinVar variation 3777149 (VCV003777149.1).